The following is an entry in ClinVar:

ClinVar aggregate classification (germline): Pathogenic (1 of 4 stars; one submission).

Conditions:
Actin accumulation myopathy (CMYO2A). Also called: CONGENITAL MYOPATHY 2A, TYPICAL, AUTOSOMAL DOMINANT; Myopathy, actin, congenital, with cores; Nemaline myopathy 3, with intranuclear rods; Nemaline myopathy type 3; Myopathy, actin, congenital, with excess of thin myofilaments. Identifiers: Orphanet 98904, MedGen C3711389, MONDO:0008070, OMIM 161800.

Allele frequency attached by ClinVar (database versions not stated): gnomAD exomes below 0.00001; gnomAD 0.00001; TOPMed 0.00002.
gnomAD v4.1: 5 of 1,613,594 alleles (0.00031%); highest among the groups gnomAD compares: Non-Finnish European, 0.00042%; no homozygotes.

Submission:

Labcorp Genetics (formerly Invitae), Labcorp
Classification: Pathogenic for Actin accumulation myopathy. Last evaluated: 2017-02-15. Review status: criteria provided, single submitter. Criteria: Invitae Variant Classification Sherloc (09022015). Collection method: clinical testing. Allele origin: germline.
Comment: For these reasons, this variant has been classified as Pathogenic. Loss-of-function variants in ACTA1 are known to be pathogenic. This particular variant has been reported in the literature in an individual affected with nemaline myopathy (PMID: 19562689). This sequence change affects a donor splice site in intron 4 of the ACTA1 gene. It is expected to disrupt RNA splicing and likely results in an absent or disrupted protein product.

Literature cited by the submitters: PubMed 19562689.

NM_001100.4(ACTA1):c.616+1G>A

Gene: ACTA1 (actin alpha 1, skeletal muscle; minus strand). Cytogenetic location: 1q42.13.
Variant type: single nucleotide variant.
Coding change: c.616+1G>A on transcript NM_001100.4 (MANE Select); the canonical splice donor site of the intron after coding-DNA position 616, G replaced by A.
Molecular consequence: splice donor variant.
Genome position (GRCh38, 1-based): chr1:229,432,269, C>T on the plus strand (G>A on the coding strand, the complement: ACTA1 is on the minus strand). VCF-style: chr1-229432269-C-T. GRCh37 (hg19) VCF-style: chr1-229568016-C-T.
Identifiers: ClinVar variation 464128 (VCV000464128.9), dbSNP rs111812550, ClinGen allele CA38815843.